The following is an entry in ClinVar:

ClinVar aggregate classification (germline): Likely pathogenic (1 of 4 stars; one submission).

Submission:

Mayo Clinic Laboratories, Mayo Clinic
Classification: Likely pathogenic. Last evaluated: 2025-05-15. Review status: criteria provided, single submitter. Criteria: ACMG Guidelines, 2015. Collection method: clinical testing. Allele origin: germline. Observed: 1 variant allele.
Comment: PM2_supporting, PM3, PM4, PS4

Literature cited by the submitters: PubMed 10589087; PubMed 22290026; PubMed 32833261.

NM_000312.4(PROC):c.458AGG[1] (p.Glu154del)

Gene: PROC (protein C, inactivator of coagulation factors Va and VIIIa; plus strand). Cytogenetic location: 2q14.3.
Variant type: Microsatellite.
Coding change: c.458AGG[1] on transcript NM_000312.4 (MANE Select); one copy of the 3-base unit AGG starting at c.458; the reference has two copies in a row; one copy, 3 bases deleted; also written c.461_463del.
Protein change: p.Glu154del; deletes glutamic acid 154.
Molecular consequence: inframe deletion. On other transcripts: inframe indel (2).
Genome position (GRCh38, 1-based): chr2:127,423,334-127,423,336, AGG deleted; deleting any 3 consecutive bases within chr2:127,423,330-127,423,336 gives the same sequence; the position shown is the placement nearest the transcript's 3' end. VCF-style (leftmost placement, unchanged base first): chr2-127423329-AGAG-A. GRCh37 (hg19) VCF-style: chr2-128180905-AGAG-A.
Other names: p.Glu154del; c.458_460AGG[1], p.Glu154del (NM_000312.3); c.641AGG[1], p.Glu215del (NM_001375602.1); c.623AGG[1], p.Glu209del (NM_001375603.1); c.521AGG[1], p.Glu175del (NM_001375604.1); c.560AGG[1], p.Glu188del (NM_001375605.1); c.626AGG[1], p.Glu210del (NM_001375606.1); c.644AGG[1], p.Glu216del (NM_001375607.1); and 4 more; short protein forms E152del, E215del, E188del, E210del, E175del, E146del, E154del, E209del.
Identifiers: ClinVar variation 4540670 (VCV004540670.1).